The following is an entry in ClinVar:

ClinVar aggregate classification (germline): Conflicting classifications of pathogenicity. Review status: criteria provided, conflicting classifications (1 of 4 stars). 4 submissions from 4 submitters: Uncertain significance (1); Likely benign (3). Last evaluated 2025-10-07.

Conditions:
Frasier syndrome. Identifiers: Orphanet 347, MedGen C0950122, MeSH D052159, MONDO:0007635, OMIM 136680.
Drash syndrome (DDS). Also called: NEPHROPATHY, WILMS TUMOR, AND GENITAL ANOMALIES; WILMS TUMOR AND PSEUDO- OR TRUE HERMAPHRODITISM. Identifiers: Orphanet 220, MedGen C0950121, MONDO:0008682, OMIM 194080.
Wilms tumor 1 (WT1). Also called: Wilms tumor, somatic. Identifiers: Orphanet 654, MedGen CN033288, MONDO:0008679, OMIM 194070.
11p partial monosomy syndrome (WAGR). Also called: WAGR Complex; WAGR syndrome; WAGR Spectrum Disorder; CHROMOSOME 11p13 DELETION SYNDROME. Identifiers: Orphanet 893, MedGen C0206115, MONDO:0008681, OMIM 194072.
Inborn genetic diseases. Identifiers: MedGen C0950123, MeSH D030342.
Hereditary cancer-predisposing syndrome. Also called: Hereditary neoplastic syndrome; Neoplastic Syndromes, Hereditary; Tumor predisposition; Hereditary Cancer Syndrome. Identifiers: Orphanet 140162, MedGen C0027672, MeSH D009386, MONDO:0015356.

Allele frequency attached by ClinVar (database versions not stated): gnomAD exomes below 0.00001 and 0.00003.
gnomAD v4.1: 6 of 1,502,602 alleles (0.0004%); highest among the groups gnomAD compares: East Asian, 0.013%; no homozygotes.

Submissions (4):

Labcorp Genetics (formerly Invitae), Labcorp
Classification: Likely benign for Wilms tumor 1; Drash syndrome; 11p partial monosomy syndrome; Frasier syndrome. Last evaluated: 2025-10-07. Review status: criteria provided, single submitter. Criteria: Invitae Variant Classification Sherloc (09022015). Collection method: clinical testing. Allele origin: germline.

Ambry Genetics
Classification: Likely benign for Inborn genetic diseases. Last evaluated: 2024-08-21. Review status: criteria provided, single submitter. Criteria: Ambry Variant Classification Scheme 2023. Collection method: clinical testing. Allele origin: germline.

All of Us Research Program, National Institutes of Health
Classification: Likely benign for Wilms tumor 1. Last evaluated: 2023-11-02. Review status: criteria provided, single submitter. Criteria: ACMG Guidelines, 2015. Collection method: clinical testing. Allele origin: germline. Inheritance: Autosomal dominant inheritance. Observed: 3 variant alleles, 3 heterozygotes.
Comment: This study involves interpretation of variants in research participants for the purpose of population health screening. Participant phenotype was not available at the time of variant classification. Additional details can be found in publication PMID: 35346344, PMCID: PMC8962531

Sema4
Classification: Uncertain significance for Hereditary cancer-predisposing syndrome. Last evaluated: 2021-07-22. Review status: criteria provided, single submitter. Criteria: Sema4 Curation Guidelines. Collection method: curation. Allele origin: germline.
Comment: The WT1 c.258G>A (p.L86=) variant has not been reported in the literature to our knowledge. It was observed in 3/6132 chromosomes in the East Asian subpopulation in the large and broad cohorts of the Genome Aggregation Database (PMID: 32461654). Computational tools predict a creation of new splice acceptor site without affecting the actual splice site, but this prediction has not been confirmed by functional studies. The variant has been reported in ClinVar (Variation ID: 949425). The evidence is insufficient to meet ACMG/AMP criteria for classifying the variant as benign or pathogenic. Thus, the clinical significance of this variant is currently uncertain.

NM_024426.6(WT1):c.273G>A (p.Leu91=)

Genes: WT1 (WT1 transcription factor; minus strand), LOC107982234 (WT1/WT1-AS bi-directional promoter region; plus strand). Cytogenetic location: 11p13.
Variant type: single nucleotide variant.
Coding change: c.273G>A on transcript NM_024426.6 (MANE Select); coding-DNA position 273, G replaced by A.
Protein change: p.Leu91=; no amino-acid change (leucine 91 retained).
Molecular consequence: synonymous variant. On other transcripts: non-coding transcript variant (1).
Genome position (GRCh38, 1-based): chr11:32,435,088, C>T on the plus strand (G>A on the coding strand, the complement: WT1 is on the minus strand). VCF-style: chr11-32435088-C-T. GRCh37 (hg19) VCF-style: chr11-32456634-C-T.
Other names: c.273G>A, p.Leu91= (NM_000378.6, NM_024424.5).
Identifiers: ClinVar variation 949425 (VCV000949425.13), dbSNP rs1396104394, ClinGen allele CA473773980.